The following is an entry in ClinVar:

NM_001083614.2(EARS2):c.485+1G>A

Gene: EARS2 (glutamyl-tRNA synthetase 2, mitochondrial; minus strand). Cytogenetic location: 16p12.2.
Variant type: single nucleotide variant.
Coding change: c.485+1G>A on transcript NM_001083614.2 (MANE Select); the canonical splice donor site of the intron after coding-DNA position 485, G replaced by A.
Molecular consequence: splice donor variant.
Genome position (GRCh38, 1-based): chr16:23,544,513, C>T on the plus strand (G>A on the coding strand, the complement: EARS2 is on the minus strand). VCF-style: chr16-23544513-C-T. GRCh37 (hg19) VCF-style: chr16-23555834-C-T.
Other names: c.485+1G>A (NM_001308211.1).
Identifiers: ClinVar variation 4845824 (VCV004845824.1).
Genomic context (GRCh38, chr16:23,544,513, plus strand): 5'-GCACAAGGTAACAAACACACCCAATGTTGATGAGGCATCTGCAACAAGCTGAGGTTCTTA[C>T]CGGGGCGTCTGGTGGTTCCGCAAGGCCTCCTTCTTCAGGAGCTCCAGCCGCTGGGGTGAG-3'

ClinVar aggregate classification (germline): Likely pathogenic (1 of 4 stars; one submission).

Conditions:
Leukoencephalopathy-thalamus and brainstem anomalies-high lactate syndrome. Also called: LEUKOENCEPHALOPATHY WITH THALAMUS AND BRAINSTEM INVOLVEMENT AND HIGH LACTATE; Combined oxidative phosphorylation deficiency 12. Identifiers: Orphanet 314051, MedGen C4706421, MONDO:0013971, OMIM 614924.

Submission:

First Genomix Gene Laboratory, Genetic Diagnostics Department
Classification: Likely pathogenic for Leukoencephalopathy-thalamus and brainstem anomalies-high lactate syndrome. Last evaluated: 2025-03-27. Review status: criteria provided, single submitter. Criteria: ACMG Guidelines, 2015. Collection method: clinical testing. Allele origin: germline. Inheritance: Autosomal recessive inheritance. Affected: no. Observed: 1 variant allele.